The following is an entry in ClinVar:

ClinVar aggregate classification (germline): Uncertain significance (1 of 4 stars; one submission).

gnomAD v4.1: 3 of 1,584,950 alleles (0.00019%); highest among the groups gnomAD compares: Non-Finnish European, 0.00026%; no homozygotes.

Submission:

Ambry Genetics
Classification: Uncertain significance. Last evaluated: 2025-01-14. Review status: criteria provided, single submitter. Criteria: Ambry Variant Classification Scheme 2023. Collection method: clinical testing. Allele origin: germline.
Comment: The p.C207S variant (also known as c.620G>C), located in coding exon 4 of the GEN1 gene, results from a G to C substitution at nucleotide position 620. The cysteine at codon 207 is replaced by serine, an amino acid with dissimilar properties. This amino acid position is conserved. In addition, the in silico prediction for this alteration is inconclusive. Based on the available evidence, the clinical significance of this variant remains unclear.

NM_001130009.3(GEN1):c.620G>C (p.Cys207Ser)

Gene: GEN1 (GEN1 Holliday junction 5' flap endonuclease; plus strand). Cytogenetic location: 2p24.2.
Variant type: single nucleotide variant.
Coding change: c.620G>C on transcript NM_001130009.3 (MANE Select); coding-DNA position 620, G replaced by C.
Protein change: p.Cys207Ser; replaces cysteine 207 with serine.
Molecular consequence: missense variant.
Genome position (GRCh38, 1-based): chr2:17,766,673, G>C. VCF-style: chr2-17766673-G-C. GRCh37 (hg19) VCF-style: chr2-17947940-G-C.
Other names: c.620G>C, p.Cys207Ser (NM_182625.5); short protein forms C207S.
Identifiers: ClinVar variation 3853509 (VCV003853509.1).